The following is an entry in ClinVar:

NM_000093.5(COL5A1):c.729C>G (p.Asp243Glu)

Gene: COL5A1 (collagen type V alpha 1 chain; plus strand). Cytogenetic location: 9q34.3.
Variant type: single nucleotide variant.
Coding change: c.729C>G on transcript NM_000093.5 (MANE Select); coding-DNA position 729, C replaced by G.
Protein change: p.Asp243Glu; replaces aspartic acid 243 with glutamic acid.
Molecular consequence: missense variant.
Genome position (GRCh38, 1-based): chr9:134,727,340, C>G. VCF-style: chr9-134727340-C-G. GRCh37 (hg19) VCF-style: chr9-137619186-C-G.
Other names: c.729C>G, p.Asp243Glu (NM_001278074.1); short protein forms D243E.
Identifiers: ClinVar variation 1025126 (VCV001025126.10), dbSNP rs1834700553, ClinGen allele CA375446367.

ClinVar aggregate classification (germline): Uncertain significance (1 of 4 stars; one submission).

Conditions:
Ehlers-Danlos syndrome, classic type, 1 (EDSCL1). Also called: EHLERS-DANLOS SYNDROME, GRAVIS TYPE; EHLERS-DANLOS SYNDROME, SEVERE CLASSIC TYPE; EDS I; Ehlers-Danlos Syndrome, Classic Type, COL5A1-Related; Ehlers-Danlos syndrome, type 1. Identifiers: MedGen C0268335, MONDO:0019567, OMIM 130000.

Allele frequency attached by ClinVar (database versions not stated): gnomAD exomes below 0.00001; TOPMed below 0.00001.
gnomAD v4.1: 1 of 1,614,076 alleles (0.000062%); highest among the groups gnomAD compares: Non-Finnish European, 0.000085%; no homozygotes.

Submission:

Labcorp Genetics (formerly Invitae), Labcorp
Classification: Uncertain significance for Ehlers-Danlos syndrome, classic type, 1. Last evaluated: 2025-07-27. Review status: criteria provided, single submitter. Criteria: Invitae Variant Classification Sherloc (09022015). Collection method: clinical testing. Allele origin: germline.
Comment: This sequence change replaces aspartic acid, which is acidic and polar, with glutamic acid, which is acidic and polar, at codon 243 of the COL5A1 protein (p.Asp243Glu). This variant is not present in population databases (gnomAD no frequency). This variant has not been reported in the literature in individuals affected with COL5A1-related conditions. ClinVar contains an entry for this variant (Variation ID: 1025126). Invitae Evidence Modeling of protein sequence and biophysical properties (such as structural, functional, and spatial information, amino acid conservation, physicochemical variation, residue mobility, and thermodynamic stability) indicates that this missense variant is not expected to disrupt COL5A1 protein function with a negative predictive value of 95%. In summary, the available evidence is currently insufficient to determine the role of this variant in disease. Therefore, it has been classified as a Variant of Uncertain Significance.